The following is an entry in ClinVar:

ClinVar aggregate classification (germline): Uncertain significance (1 of 4 stars; one submission).

Conditions:
Peutz-Jeghers syndrome (PJS). Also called: Peutz-Jeghers polyposis; Periorificial lentiginosis syndrome; POLYPOSIS, HAMARTOMATOUS INTESTINAL; POLYPS-AND-SPOTS SYNDROME. Identifiers: Orphanet 2869, MedGen C0031269, MeSH D010580, MONDO:0008280, OMIM 175200.

Submission:

Labcorp Genetics (formerly Invitae), Labcorp
Classification: Uncertain significance for Peutz-Jeghers syndrome. Last evaluated: 2022-06-11. Review status: criteria provided, single submitter. Criteria: Invitae Variant Classification Sherloc (09022015). Collection method: clinical testing. Allele origin: germline.
Comment: This sequence change replaces tyrosine, which is neutral and polar, with cysteine, which is neutral and slightly polar, at codon 253 of the STK11 protein (p.Tyr253Cys). This variant is not present in population databases (gnomAD no frequency). In summary, the available evidence is currently insufficient to determine the role of this variant in disease. Therefore, it has been classified as a Variant of Uncertain Significance. Advanced modeling of protein sequence and biophysical properties (such as structural, functional, and spatial information, amino acid conservation, physicochemical variation, residue mobility, and thermodynamic stability) performed at Invitae indicates that this missense variant is expected to disrupt STK11 protein function. This variant has not been reported in the literature in individuals affected with STK11-related conditions.

NM_000455.5(STK11):c.758A>G (p.Tyr253Cys)

Gene: STK11 (serine/threonine kinase 11; plus strand). Cytogenetic location: 19p13.3.
Variant type: single nucleotide variant.
Coding change: c.758A>G on transcript NM_000455.5 (MANE Select); coding-DNA position 758, A replaced by G.
Protein change: p.Tyr253Cys; replaces tyrosine 253 with cysteine.
Molecular consequence: missense variant.
Genome position (GRCh38, 1-based): chr19:1,221,236, A>G. VCF-style: chr19-1221236-A-G. GRCh37 (hg19) VCF-style: chr19-1221235-A-G.
Other names: c.758A>G, p.Tyr253Cys (NM_001407255.1); short protein forms Y253C.
Identifiers: ClinVar variation 2004896 (VCV002004896.4), dbSNP rs2145426804, ClinGen allele CA402950390.